The following is an entry in ClinVar:

NM_014159.7(SETD2):c.5142A>G (p.Ser1714=)

Gene: SETD2 (SET domain containing 2, histone lysine methyltransferase; minus strand). Cytogenetic location: 3p21.31.
Variant type: single nucleotide variant.
Coding change: c.5142A>G on transcript NM_014159.7 (MANE Select); coding-DNA position 5142, A replaced by G.
Protein change: p.Ser1714=; no amino-acid change (serine 1714 retained).
Molecular consequence: synonymous variant. On other transcripts: non-coding transcript variant (1).
Genome position (GRCh38, 1-based): chr3:47,097,955, T>C on the plus strand (A>G on the coding strand, the complement: SETD2 is on the minus strand). VCF-style: chr3-47097955-T-C. GRCh37 (hg19) VCF-style: chr3-47139445-T-C.
Other names: c.5010A>G, p.Ser1670= (NM_001349370.3).
Identifiers: ClinVar variation 664512 (VCV000664512.7), dbSNP rs1306274414, ClinGen allele CA433478257.

ClinVar aggregate classification (germline): Uncertain significance (1 of 4 stars; one submission).

Conditions:
Luscan-Lumish syndrome. Identifiers: Orphanet 597738, MedGen C4085873, MONDO:0014791, OMIM 616831.

Allele frequency attached by ClinVar (database versions not stated): gnomAD exomes below 0.00001; gnomAD 0.00001; TOPMed 0.00002.

Submission:

Labcorp Genetics (formerly Invitae), Labcorp
Classification: Uncertain significance for Luscan-Lumish syndrome. Last evaluated: 2022-03-19. Review status: criteria provided, single submitter. Criteria: Invitae Variant Classification Sherloc (09022015). Collection method: clinical testing. Allele origin: germline.
Comment: In summary, the available evidence is currently insufficient to determine the role of this variant in disease. Therefore, it has been classified as a Variant of Uncertain Significance. Algorithms developed to predict the effect of sequence changes on RNA splicing suggest that this variant is not likely to affect RNA splicing. ClinVar contains an entry for this variant (Variation ID: 664512). This variant has not been reported in the literature in individuals affected with SETD2-related conditions. This variant is not present in population databases (gnomAD no frequency). This sequence change affects codon 1714 of the SETD2 mRNA. It is a 'silent' change, meaning that it does not change the encoded amino acid sequence of the SETD2 protein. It affects a nucleotide within the consensus splice site.